The following is an entry in ClinVar:

NM_004947.5(DOCK3):c.4086G>A (p.Arg1362=)

Gene: DOCK3 (dedicator of cytokinesis 3; plus strand). Cytogenetic location: 3p21.2.
Variant type: single nucleotide variant.
Coding change: c.4086G>A on transcript NM_004947.5 (MANE Select); coding-DNA position 4086, G replaced by A.
Protein change: p.Arg1362=; no amino-acid change (arginine 1362 retained).
Molecular consequence: synonymous variant.
Genome position (GRCh38, 1-based): chr3:51,350,371, G>A. VCF-style: chr3-51350371-G-A. GRCh37 (hg19) VCF-style: chr3-51387802-G-A.
Identifiers: ClinVar variation 3043188 (VCV003043188.18), dbSNP rs778935319, ClinGen allele CA2421649.

ClinVar aggregate classification (germline): Likely benign. Review status: criteria provided, single submitter (1 of 4 stars). 2 submissions from 2 submitters: Likely benign (1). 1 of the submissions does not count toward it. Last evaluated 2024-07-01.

Conditions:
DOCK3-related disorder. Also called: DOCK3-related condition.

Allele frequency attached by ClinVar (database versions not stated): ExAC 0.00002; gnomAD 0.00007; TOPMed 0.00010; gnomAD exomes 0.00017.
gnomAD v4.1: 252 of 1,612,340 alleles (0.016%); highest among the groups gnomAD compares: Non-Finnish European, 0.021%; 2 homozygotes.

Submissions (2):

CeGaT Center for Human Genetics Tuebingen
Classification: Likely benign. Last evaluated: 2024-07-01. Review status: criteria provided, single submitter. Criteria: CeGaT Center For Human Genetics Tuebingen Variant Classification Criteria Version 2. Collection method: clinical testing. Allele origin: germline. Affected: yes. Observed: 1 variant allele.
Comment: DOCK3: BP4, BP7

PreventionGenetics, part of Exact Sciences
Classification: Likely benign for DOCK3-related condition. Last evaluated: 2020-01-02. Review status: no assertion criteria provided. Collection method: clinical testing. Allele origin: germline. Not counted in ClinVar's aggregate classification.
Comment: This variant is classified as likely benign based on ACMG/AMP sequence variant interpretation guidelines (Richards et al. 2015 PMID: 25741868, with internal and published modifications).